The following is an entry in ClinVar:

ClinVar aggregate classification (germline): Likely pathogenic (0 of 4 stars; one submission).

Conditions:
Amyotrophic lateral sclerosis type 4 (ALS4). Also called: AMYOTROPHIC LATERAL SCLEROSIS 4, JUVENILE; NEURONOPATHY, DISTAL HEREDITARY MOTOR, WITH PYRAMIDAL FEATURES. Identifiers: Orphanet 357043, MedGen C1865409, MONDO:0011223, OMIM 602433.

gnomAD v4.1: 14 of 1,613,430 alleles (0.00087%); highest among the groups gnomAD compares: Non-Finnish European, 0.0012%; no homozygotes.

Submission:

Solve-RD Consortium
Classification: Likely pathogenic for Amyotrophic lateral sclerosis type 4. Last evaluated: 2022-06-01. Review status: no assertion criteria provided. Collection method: provider interpretation. Allele origin: inherited. Affected: yes.
Comment: Variant confirmed as disease-causing by referring clinical team

Variant identified during reanalysis of unsolved cases by the Solve-RD project. The Solve-RD project has received funding from the European Union’s Horizon 2020 research and innovation programme under grant agreement No 779257.

Literature cited by the submitters: PubMed 39825153.

NM_015046.7(SETX):c.7112T>C (p.Val2371Ala)

Gene: SETX (senataxin; minus strand). Cytogenetic location: 9q34.13.
Variant type: single nucleotide variant.
Coding change: c.7112T>C on transcript NM_015046.7 (MANE Select); coding-DNA position 7112, T replaced by C.
Protein change: p.Val2371Ala; replaces valine 2371 with alanine.
Molecular consequence: missense variant.
Genome position (GRCh38, 1-based): chr9:132,271,797, A>G on the plus strand (T>C on the coding strand, the complement: SETX is on the minus strand). VCF-style: chr9-132271797-A-G. GRCh37 (hg19) VCF-style: chr9-135147184-A-G.
Other names: c.7112T>C, p.Val2371Ala (NM_001351527.2, NM_001351528.2); short protein forms V2371A.
Identifiers: ClinVar variation 3256758 (VCV003256758.1).